The following is an entry in ClinVar:

NM_003001.5(SDHC):c.20+7T>G

Gene: SDHC (succinate dehydrogenase complex subunit C; plus strand). Cytogenetic location: 1q23.3.
Variant type: single nucleotide variant.
Coding change: c.20+7T>G on transcript NM_003001.5 (MANE Select); 7 bases into the intron after coding-DNA position 20, T replaced by G.
Molecular consequence: intron variant. On other transcripts: 5 prime UTR variant (1).
Genome position (GRCh38, 1-based): chr1:161,314,432, T>G. VCF-style: chr1-161314432-T-G. GRCh37 (hg19) VCF-style: chr1-161284222-T-G.
Other names: c.-534T>G (NM_001407119.1); c.-210+7T>G (NM_001407120.1); c.20+7T>G (NM_001407115.1, NM_001035511.3, NM_001035512.3 and 6 more transcripts).
Identifiers: ClinVar variation 534379 (VCV000534379.14), dbSNP rs1553260599, ClinGen allele CA658795558.
Genomic context (GRCh38, chr1:161,314,432, plus strand): 5'-CCTGGCGTCACTTCCGTCCAGACCGGAACCCAAGATGGCTGCGCTGTTGCTGAGGTGACT[T>G]CAGTGGGACTGGGAGTTGGTGCCTGCGGCCCTCCGGAGATCTGAACTGGCCCCTCACGTT-3'

ClinVar aggregate classification (germline): Likely benign. Review status: criteria provided, multiple submitters, no conflicts (2 of 4 stars). 2 submissions from 2 submitters: Likely benign (2). Last evaluated 2025-04-18.

Conditions:
Pheochromocytoma/paraganglioma syndrome 3. Also called: GLOMUS TUMORS, FAMILIAL, 3; SDHC-Related Hereditary Paraganglioma-Pheochromocytoma Syndrome; Paragangliomas 3; SDHC-Related Hereditary Paraganglioma-Pheochromocytoma Syndrome (Paragangliomas 3). Identifiers: Orphanet 29072, MedGen C1854336, MONDO:0011544, OMIM 605373.
Gastrointestinal stromal tumor. Also called: Gastrointestinal stromal tumor, somatic; Gastrointestinal stroma tumor. Identifiers: Orphanet 44890, MedGen C0238198, MeSH D046152, MONDO:0011719, OMIM 606764, HP:0100723.

Allele frequency attached by ClinVar (database versions not stated): gnomAD exomes below 0.00001.
gnomAD v4.1: 3 of 1,610,018 alleles (0.00019%); highest among the groups gnomAD compares: Non-Finnish European, 0.00025%; no homozygotes.

Submissions (2):

Labcorp Genetics (formerly Invitae), Labcorp
Classification: Likely benign for Pheochromocytoma/paraganglioma syndrome 3; Gastrointestinal stromal tumor. Last evaluated: 2025-04-18. Review status: criteria provided, single submitter. Criteria: Invitae Variant Classification Sherloc (09022015). Collection method: clinical testing. Allele origin: germline.

Myriad Genetics, Inc.
Classification: Likely benign for Pheochromocytoma/paraganglioma syndrome 3. Last evaluated: 2025-03-13. Review status: criteria provided, single submitter. Criteria: Myriad Autosomal Dominant, Autosomal Recessive and X-Linked Classification Criteria (2023). Collection method: clinical testing. Allele origin: unknown.
Comment: This variant is considered likely benign. This variant is intronic and is not expected to impact mRNA splicing.